The following is an entry in ClinVar:

NM_182961.4(SYNE1):c.12351+2T>C

Gene: SYNE1 (spectrin repeat containing nuclear envelope protein 1; minus strand). Cytogenetic location: 6q25.2.
Variant type: single nucleotide variant.
Coding change: c.12351+2T>C on transcript NM_182961.4 (MANE Select); the canonical splice donor site of the intron after coding-DNA position 12351, T replaced by C.
Molecular consequence: splice donor variant.
Genome position (GRCh38, 1-based): chr6:152,339,239, A>G on the plus strand (T>C on the coding strand, the complement: SYNE1 is on the minus strand). VCF-style: chr6-152339239-A-G. GRCh37 (hg19) VCF-style: chr6-152660374-A-G.
Other names: c.12138+2T>C (NM_033071.5).
Identifiers: ClinVar variation 1466933 (VCV001466933.6), dbSNP rs2154000325, ClinGen allele CA366109500.

ClinVar aggregate classification (germline): Likely pathogenic (1 of 4 stars; one submission).

Conditions:
Autosomal recessive ataxia, Beauce type. Also called: SYNE1-Related Autosomal Recessive Cerebellar Ataxia; Spinocerebellar ataxia, autosomal recessive 8; ATAXIA, RECESSIVE, OF BEAUCE; SYNE1 Deficiency. Identifiers: Orphanet 88644, MedGen C1853116, MONDO:0012549, OMIM 610743.
Emery-Dreifuss muscular dystrophy 4, autosomal dominant (EDMD4). Also called: EMERY-DREIFUSS MUSCULAR DYSTROPHY 4 WITH VARIABLE FEATURES. Identifiers: Orphanet 261, MedGen C2751807, MONDO:0013071, OMIM 612998.

gnomAD v4.1: 1 of 1,613,562 alleles (0.000062%); highest among the groups gnomAD compares: Non-Finnish European, 0.000085%; no homozygotes.

Submission:

Labcorp Genetics (formerly Invitae), Labcorp
Classification: Likely pathogenic for Emery-Dreifuss muscular dystrophy 4, autosomal dominant; Autosomal recessive ataxia, Beauce type. Last evaluated: 2025-08-04. Review status: criteria provided, single submitter. Criteria: Invitae Variant Classification Sherloc (09022015). Collection method: clinical testing. Allele origin: germline.
Comment: This sequence change affects a donor splice site in intron 74 of the SYNE1 gene. It is expected to disrupt RNA splicing. Variants that disrupt the donor or acceptor splice site typically lead to a loss of protein function (PMID: 16199547), and loss-of-function variants in SYNE1 are known to be pathogenic (PMID: 19542096, 24319099, 27086870). This variant is not present in population databases (gnomAD no frequency). This variant has not been reported in the literature in individuals affected with SYNE1-related conditions. ClinVar contains an entry for this variant (Variation ID: 1466933). Algorithms developed to predict the effect of sequence changes on RNA splicing suggest that this variant may disrupt the consensus splice site. In summary, the currently available evidence indicates that the variant is pathogenic, but additional data are needed to prove that conclusively. Therefore, this variant has been classified as Likely Pathogenic.

Literature cited by the submitters: PubMed 16199547; PubMed 19542096; PubMed 24319099; PubMed 27086870.